The following continues an entry in ClinVar:

NM_000552.5(VWF):c.3922C>T (p.Arg1308Cys)

Gene: VWF. ClinVar aggregate classification (germline): Pathogenic. Pathogenic (1).

Submissions 9 to 15 of 15:

Laboratory of Hematology, Radboud University Medical Center
Classification: Pathogenic for von Willebrand disease type 2. Last evaluated: 2020-12-10. Review status: criteria provided, single submitter. Criteria: ACMG Guidelines, 2015. Collection method: research. Allele origin: germline. Affected: yes. Observed: 7 variant alleles. Study: WIN study. Not counted in ClinVar's aggregate classification.

Versiti Diagnostic Laboratories, Versiti, Inc
Classification: Pathogenic for von Willebrand disease, type 2b. Last evaluated: 2019-07-09. Review status: criteria provided, single submitter. Criteria: Versiti Assertion Criteria. Collection method: clinical testing. Allele origin: germline. Affected: yes. Observed: 17 variant alleles. Not counted in ClinVar's aggregate classification.
Comment: The missense variant VWF c.3922C>T, p.Arg1308Cys (p.R1308C; legacy p.R545C) in exon 28 changes amino acid arginine at codon 1308 to cysteine. The arginine at this residue is not well conserved among species. This amino acid change occurs in the A1 domain, a functional domain that binds GPIb (Springer, 2014). Pathogenic variants in VWF are associated with autosomal dominant or autosomal recessive von Willebrand disease (VWD), characterized by quantitative or qualitative deficiencies in von Willebrand factor and resulting in prolonged bleeding. This sequence variant has been previously reported in patients with type 2B von Willebrand disease (Randi, 1991; Ranger, 2012; Ahmad,2013; Frietas, 2019) and has been observed in multiple patients with type 2B von Willebrand disease in our laboratory cohort. Functional studies of the variant in mammalian cells show an increased affinity for GPIb or enhanced responsiveness with ristoceitin and preferential cleavage of high molecular weight multimers under fluid stress and natured conditions (Ahmad, 2013; Ma, 2015). To date, this variant has not been reported in the general population (gnomAD, Exome Variant Server). In summary, the collective evidence supports VWF c.3922C>T, p.Arg1308Cys as a dominant pathogenic variant for von Willebrand disease type 2B.

NIHR Bioresource Rare Diseases, University of Cambridge
Classification: Pathogenic for von Willebrand disorder. Last evaluated: 2019-02-01. Review status: criteria provided, single submitter. Criteria: ACMG Guidelines, 2015. Collection method: research. Allele origin: unknown. Affected: yes. Observed: 1 heterozygote. Study: ThromboGenomics. Not counted in ClinVar's aggregate classification.

ISTH-SSC Genomics in Thrombosis and Hemostasis, KU Leuven, Center for Molecular and Vascular Biology
Classification: Pathogenic for von Willebrand disease type 2. Review status: criteria provided, single submitter. Criteria: ACMG Guidelines, 2015. Collection method: research, clinical testing. Allele origin: unknown, germline. Affected: yes. Observed: 2 heterozygotes. Not counted in ClinVar's aggregate classification.
Comment: Goldvariant submitters:Karyn Mégy, NIHR Bioresource - Cambridge University, UK and Loredana Bury - Paolo Gresele, University of Perugia, Department of Medicine and Surgery, Centre for Hemostasis and Thrombosis, Italy

Angelo Bianchi Bonomi Hemophilia and Thrombosis Center, Fondazione IRCCS Ca Granda Ospedale Maggiore Policlinico
Classification: Pathogenic for von Willebrand disease type 2. Last evaluated: 2022-04-26. Review status: no assertion criteria provided. Collection method: clinical testing. Allele origin: germline. Affected: yes. Not counted in ClinVar's aggregate classification.

OMIM
Classification: Pathogenic for VON WILLEBRAND DISEASE, TYPE 2B. Last evaluated: 2010-05-01. Review status: no assertion criteria provided. Collection method: literature only. Allele origin: germline. Not counted in ClinVar's aggregate classification.

Academic Unit of Haematology, University of Sheffield
No classification provided. Review status: no classification provided. Collection method: not provided. Allele origin: not provided. Not counted in ClinVar's aggregate classification.

Literature cited by the submitters: PubMed 12393671 (cited by Mayo Clinic Laboratories, Mayo Clinic); PubMed 1419803 (cited by 3 submitters); PubMed 16246252 (cited by Mayo Clinic Laboratories, Mayo Clinic and Quest Diagnostics Nichols Institute San Juan Capistrano); PubMed 1672694 (cited by Mayo Clinic Laboratories, Mayo Clinic); PubMed 18805962 (cited by Mayo Clinic Laboratories, Mayo Clinic); PubMed 2010538 (cited by 5 submitters); PubMed 22077376 (cited by 4 submitters); PubMed 23179108 (cited by 4 submitters); PubMed 26345337 (cited by 4 submitters); PubMed 26456374 (cited by Mayo Clinic Laboratories, Mayo Clinic and Quest Diagnostics Nichols Institute San Juan Capistrano); PubMed 27766062 (cited by Mayo Clinic Laboratories, Mayo Clinic); PubMed 27978591 (cited by Mayo Clinic Laboratories, Mayo Clinic); PubMed 28640903 (cited by Mayo Clinic Laboratories, Mayo Clinic and Women's Health and Genetics/Laboratory Corporation of America, LabCorp); PubMed 17155947 (cited by Quest Diagnostics Nichols Institute San Juan Capistrano); PubMed 9723578 (cited by Quest Diagnostics Nichols Institute San Juan Capistrano); PubMed 25851809 (cited by Quest Diagnostics Nichols Institute San Juan Capistrano); PubMed 25431025 (cited by Quest Diagnostics Nichols Institute San Juan Capistrano); PubMed 8865541 (cited by Quest Diagnostics Nichols Institute San Juan Capistrano and OMIM); PubMed 20409624 (cited by Quest Diagnostics Nichols Institute San Juan Capistrano and OMIM); PubMed 1761120 (cited by 3 submitters); PubMed 30817071 (cited by Quest Diagnostics Nichols Institute San Juan Capistrano and Versiti Diagnostic Laboratories, Versiti, Inc); PubMed 31939074 (cited by Quest Diagnostics Nichols Institute San Juan Capistrano); PubMed 31064749 (cited by Quest Diagnostics Nichols Institute San Juan Capistrano and NIHR Bioresource Rare Diseases, University of Cambridge); PubMed 24928861 (cited by Versiti Diagnostic Laboratories, Versiti, Inc); PubMed 34355501 (cited by ISTH-SSC Genomics in Thrombosis and Hemostasis, KU Leuven, Center for Molecular and Vascular Biology).